The following is an entry in ClinVar:

NM_000057.4(BLM):c.3145G>T (p.Gly1049Ter)

Gene: BLM (BLM RecQ like helicase; plus strand). Cytogenetic location: 15q26.1.
Variant type: single nucleotide variant.
Coding change: c.3145G>T on transcript NM_000057.4 (MANE Select); coding-DNA position 3145, G replaced by T.
Protein change: p.Gly1049Ter; replaces glycine 1049 with a stop codon.
Molecular consequence: nonsense.
Genome position (GRCh38, 1-based): chr15:90,794,292, G>T. VCF-style: chr15-90794292-G-T. GRCh37 (hg19) VCF-style: chr15-91337522-G-T.
Other names: c.3145G>T (NM_000057.3); c.3145G>T, p.Gly1049Ter (NM_001287246.2, NM_001287247.2); c.2020G>T, p.Gly674Ter (NM_001287248.2); short protein forms G1049*, G674*.
Identifiers: ClinVar variation 1458953 (VCV001458953.8), dbSNP rs1188753950, ClinGen allele CA393846933.

ClinVar aggregate classification (germline): Pathogenic/Likely pathogenic. Review status: criteria provided, multiple submitters, no conflicts (2 of 4 stars). 2 submissions from 2 submitters: Pathogenic (1); Likely pathogenic (1). Last evaluated 2025-01-09.

Conditions:
Bloom syndrome (BLM). Also called: Bloom-Torre-Machacek syndrome. Identifiers: Orphanet 125, MedGen C0005859, MONDO:0008876, OMIM 210900.

Allele frequency attached by ClinVar (database versions not stated): gnomAD exomes below 0.00001; TOPMed below 0.00001.
gnomAD v4.1: 2 of 1,606,362 alleles (0.00012%); highest among the groups gnomAD compares: Non-Finnish European, 0.00017%; no homozygotes.

Submissions (2):

Natera, Inc.
Classification: Likely pathogenic for Bloom syndrome. Last evaluated: 2025-01-09. Review status: criteria provided, single submitter. Criteria: Natera Variant Classification Schema (03/2026). Collection method: clinical testing. Allele origin: germline.
Comment: The c.3145G>T variant in BLM is a nonsense variant predicted to introduce a stop codon at amino acid 1049. This variant is expected to result in nonsense mediated decay, truncation, or a dysfunctional protein product. This variant is rare in the general population with a frequency below the threshold expected for the associated phenotype(s). Given the available evidence, this variant is classified as Likely Pathogenic.

Labcorp Genetics (formerly Invitae), Labcorp
Classification: Pathogenic for Bloom syndrome. Last evaluated: 2022-11-29. Review status: criteria provided, single submitter. Criteria: Invitae Variant Classification Sherloc (09022015). Collection method: clinical testing. Allele origin: germline.
Comment: For these reasons, this variant has been classified as Pathogenic. ClinVar contains an entry for this variant (Variation ID: 1458953). This variant has not been reported in the literature in individuals affected with BLM-related conditions. This variant is present in population databases (no rsID available, gnomAD 0.0009%). This sequence change creates a premature translational stop signal (p.Gly1049*) in the BLM gene. It is expected to result in an absent or disrupted protein product. Loss-of-function variants in BLM are known to be pathogenic (PMID: 17407155).

Literature cited by the submitters: PubMed 17407155 (cited by Labcorp Genetics (formerly Invitae), Labcorp).